The following is an entry in ClinVar:

NM_003742.4(ABCB11):c.77-22C>T

Gene: ABCB11 (ATP binding cassette subfamily B member 11; minus strand). Cytogenetic location: 2q31.1.
Variant type: single nucleotide variant.
Coding change: c.77-22C>T on transcript NM_003742.4 (MANE Select); 22 bases into the intron before coding-DNA position 77, C replaced by T.
Molecular consequence: intron variant.
Genome position (GRCh38, 1-based): chr2:169,016,821, G>A on the plus strand (C>T on the coding strand, the complement: ABCB11 is on the minus strand). VCF-style: chr2-169016821-G-A. GRCh37 (hg19) VCF-style: chr2-169873331-G-A.
Identifiers: ClinVar variation 3036975 (VCV003036975.2), dbSNP rs375615454, ClinGen allele CA1952008.
Genomic context (GRCh38, chr2:169,016,821, plus strand): 5'-TGAAATCAGTCACTTACCTTGATTTCTTATCATTATTATCTGTCAGAAAAAAAAATCAAC[G>A]CAAAAAAGCAGTTAATAATAATGACAAAATGCAACGCAGTCATTAAGAAATTTGCTCTAG-3'

ClinVar aggregate classification (germline): Likely benign (0 of 4 stars; one submission).

Conditions:
ABCB11-related disorder. Also called: ABCB11-related condition.

Allele frequency attached by ClinVar (database versions not stated): TOPMed 0.00003; gnomAD 0.00004; ExAC 0.00006; ESP Exome Variant Server 0.00009; gnomAD exomes 0.00016.
gnomAD v4.1: 224 of 1,566,266 alleles (0.014%); highest among the groups gnomAD compares: Non-Finnish European, 0.019%; no homozygotes.

Submission:

PreventionGenetics, part of Exact Sciences
Classification: Likely benign for ABCB11-related condition. Last evaluated: 2023-01-05. Review status: no assertion criteria provided. Collection method: clinical testing. Allele origin: germline.
Comment: This variant is classified as likely benign based on ACMG/AMP sequence variant interpretation guidelines (Richards et al. 2015 PMID: 25741868, with internal and published modifications).